The following is an entry in ClinVar:

NM_020964.3(EPG5):c.4496A>C (p.Asn1499Thr)

Gene: EPG5 (ectopic P-granules 5 autophagy tethering factor; minus strand). Cytogenetic location: 18q21.1.
Variant type: single nucleotide variant.
Coding change: c.4496A>C on transcript NM_020964.3 (MANE Select); coding-DNA position 4496, A replaced by C.
Protein change: p.Asn1499Thr; replaces asparagine 1499 with threonine.
Molecular consequence: missense variant.
Genome position (GRCh38, 1-based): chr18:45,901,146, T>G on the plus strand (A>C on the coding strand, the complement: EPG5 is on the minus strand). VCF-style: chr18-45901146-T-G. GRCh37 (hg19) VCF-style: chr18-43481111-T-G.
Other names: short protein forms N1499T.
Identifiers: ClinVar variation 1389474 (VCV001389474.6), dbSNP rs748874666, ClinGen allele CA8948840.

ClinVar aggregate classification (germline): Uncertain significance (1 of 4 stars; one submission).

Conditions:
Vici syndrome (VICIS). Identifiers: Orphanet 1493, MedGen C1855772, MONDO:0009452, OMIM 242840.

Allele frequency attached by ClinVar (database versions not stated): gnomAD exomes below 0.00001 and 0.00001; TOPMed below 0.00001; ExAC 0.00002.
gnomAD v4.1: 6 of 1,614,166 alleles (0.00037%); highest among the groups gnomAD compares: Non-Finnish European, 0.00025%; no homozygotes.

Submission:

Labcorp Genetics (formerly Invitae), Labcorp
Classification: Uncertain significance for Vici syndrome. Last evaluated: 2022-10-04. Review status: criteria provided, single submitter. Criteria: Invitae Variant Classification Sherloc (09022015). Collection method: clinical testing. Allele origin: germline.
Comment: This sequence change replaces asparagine, which is neutral and polar, with threonine, which is neutral and polar, at codon 1499 of the EPG5 protein (p.Asn1499Thr). This variant is present in population databases (rs748874666, gnomAD 0.003%). This variant has not been reported in the literature in individuals affected with EPG5-related conditions. ClinVar contains an entry for this variant (Variation ID: 1389474). Advanced modeling of protein sequence and biophysical properties (such as structural, functional, and spatial information, amino acid conservation, physicochemical variation, residue mobility, and thermodynamic stability) performed at Invitae indicates that this missense variant is expected to disrupt EPG5 protein function. In summary, the available evidence is currently insufficient to determine the role of this variant in disease. Therefore, it has been classified as a Variant of Uncertain Significance.